The following is an entry in ClinVar:

NM_001385012.1(NBEA):c.556G>A (p.Ala186Thr)

Gene: NBEA (neurobeachin; plus strand). Cytogenetic location: 13q13.3.
Variant type: single nucleotide variant.
Coding change: c.556G>A on transcript NM_001385012.1 (MANE Select); coding-DNA position 556, G replaced by A.
Protein change: p.Ala186Thr; replaces alanine 186 with threonine.
Molecular consequence: missense variant.
Genome position (GRCh38, 1-based): chr13:35,044,976, G>A. VCF-style: chr13-35044976-G-A. GRCh37 (hg19) VCF-style: chr13-35619113-G-A.
Other names: c.556G>A, p.Ala186Thr (NM_001379245.1, NM_015678.5); short protein forms A186T.
Identifiers: ClinVar variation 2580479 (VCV002580479.2), dbSNP rs2502242451, ClinGen allele CA387959182.

ClinVar aggregate classification (germline): Uncertain significance (1 of 4 stars; one submission).

Allele frequency attached by ClinVar (database versions not stated): gnomAD exomes below 0.00001.
gnomAD v4.1: 1 of 1,611,344 alleles (0.000062%); highest among the groups gnomAD compares: Non-Finnish European, 0.000085%; no homozygotes.

Submission:

GeneDx
Classification: Uncertain significance. Last evaluated: 2023-11-13. Review status: criteria provided, single submitter. Criteria: GeneDx Variant Classification Process June 2021. Collection method: clinical testing. Allele origin: germline.
Comment: Not observed at significant frequency in large population cohorts (gnomAD); In silico analysis supports that this missense variant has a deleterious effect on protein structure/function; Has not been previously published as pathogenic or benign to our knowledge